The following is an entry in ClinVar:

NM_001303256.3(MORC2):c.223C>T (p.Pro75Ser)

Gene: MORC2 (MORC family CW-type zinc finger 2; minus strand). Cytogenetic location: 22q12.2.
Variant type: single nucleotide variant.
Coding change: c.223C>T on transcript NM_001303256.3 (MANE Select); coding-DNA position 223, C replaced by T.
Protein change: p.Pro75Ser; replaces proline 75 with serine.
Molecular consequence: missense variant.
Genome position (GRCh38, 1-based): chr22:30,950,380, G>A on the plus strand (C>T on the coding strand, the complement: MORC2 is on the minus strand). VCF-style: chr22-30950380-G-A. GRCh37 (hg19) VCF-style: chr22-31346366-G-A.
Other names: c.223C>T, p.Pro75Ser (NM_001303257.2); c.37C>T, p.Pro13Ser (NM_014941.3); short protein forms P13S, P75S.
Identifiers: ClinVar variation 2766221 (VCV002766221.4), dbSNP rs898196410, ClinGen allele CA323283476.

ClinVar aggregate classification (germline): Uncertain significance. Review status: criteria provided, multiple submitters, no conflicts (2 of 4 stars). 2 submissions from 2 submitters: Uncertain significance (2). Last evaluated 2023-10-14.

Conditions:
Charcot-Marie-Tooth disease axonal type 2Z. Also called: CHARCOT-MARIE-TOOTH DISEASE, AXONAL, AUTOSOMAL DOMINANT, TYPE 2Z; CHARCOT-MARIE-TOOTH NEUROPATHY, TYPE 2Z. Identifiers: Orphanet 466768, MedGen C5569025, MONDO:0014736, OMIM 616688.

Allele frequency attached by ClinVar (database versions not stated): gnomAD exomes below 0.00001; gnomAD 0.00004.

Submissions (2):

Labcorp Genetics (formerly Invitae), Labcorp
Classification: Uncertain significance for Charcot-Marie-Tooth disease axonal type 2Z. Last evaluated: 2023-10-14. Review status: criteria provided, single submitter. Criteria: Invitae Variant Classification Sherloc (09022015). Collection method: clinical testing. Allele origin: germline.
Comment: This sequence change replaces proline, which is neutral and non-polar, with serine, which is neutral and polar, at codon 75 of the MORC2 protein (p.Pro75Ser). The frequency data for this variant in the population databases is considered unreliable, as metrics indicate poor data quality at this position in the gnomAD database. This variant has not been reported in the literature in individuals affected with MORC2-related conditions. Algorithms developed to predict the effect of missense changes on protein structure and function output the following: SIFT: "Not Available"; PolyPhen-2: "Benign"; Align-GVGD: "Not Available". The serine amino acid residue is found in multiple mammalian species, which suggests that this missense change does not adversely affect protein function. In summary, the available evidence is currently insufficient to determine the role of this variant in disease. Therefore, it has been classified as a Variant of Uncertain Significance.

Breakthrough Genomics
Classification: Uncertain significance. Review status: criteria provided, single submitter. Criteria: ACMG Guidelines, 2015. Collection method: not provided. Allele origin: germline. Inheritance: Autosomal dominant inheritance. Affected: yes.